The following is an entry in ClinVar:

ClinVar aggregate classification (germline): Likely benign (0 of 4 stars; one submission).

Conditions:
ALDH1A2-related disorder. Also called: ALDH1A2-related condition.

Allele frequency attached by ClinVar (database versions not stated): gnomAD exomes 0.00003; ExAC 0.00008; 1000 Genomes Project 30x 0.00016; 1000 Genomes Project 0.00020; ESP Exome Variant Server 0.00023; TOPMed 0.00030; gnomAD 0.00037.
gnomAD v4.1: 103 of 1,613,168 alleles (0.0064%); highest among the groups gnomAD compares: African/African-American, 0.12%; no homozygotes.

Submission:

PreventionGenetics, part of Exact Sciences
Classification: Likely benign for ALDH1A2-related condition. Last evaluated: 2019-08-20. Review status: no assertion criteria provided. Collection method: clinical testing. Allele origin: germline.
Comment: This variant is classified as likely benign based on ACMG/AMP sequence variant interpretation guidelines (Richards et al. 2015 PMID: 25741868, with internal and published modifications).

NM_003888.4(ALDH1A2):c.111C>T (p.Tyr37=)

Genes: ALDH1A2 (aldehyde dehydrogenase 1 family member A2; minus strand), ALDH1A2-AS1 (ALDH1A2 antisense RNA 1; plus strand). Cytogenetic location: 15q21.3.
Variant type: single nucleotide variant.
Coding change: c.111C>T on transcript NM_003888.4 (MANE Select); coding-DNA position 111, C replaced by T.
Protein change: p.Tyr37=; no amino-acid change (tyrosine 37 retained).
Molecular consequence: synonymous variant. On other transcripts: non-coding transcript variant (1), 5 prime UTR variant (1).
Genome position (GRCh38, 1-based): chr15:58,065,540, G>A on the plus strand (C>T on the coding strand, the complement: ALDH1A2 is on the minus strand). VCF-style: chr15-58065540-G-A. GRCh37 (hg19) VCF-style: chr15-58357738-G-A.
Other names: c.-50C>T (NM_001206897.2); c.111C>T, p.Tyr37= (NM_170696.3).
Identifiers: ClinVar variation 3052449 (VCV003052449.2), dbSNP rs145381706, ClinGen allele CA7584244.